The following is an entry in ClinVar:

ClinVar aggregate classification (germline): Uncertain significance. Review status: criteria provided, multiple submitters, no conflicts (2 of 4 stars). 2 submissions from 2 submitters: Uncertain significance (2). Last evaluated 2025-07-02.

Conditions:
Dyskeratosis congenita, autosomal dominant 6 (DKCA6). Identifiers: Orphanet 3322, MedGen C4225284, MONDO:0014690, OMIM 616553.
Inborn genetic diseases. Identifiers: MedGen C0950123, MeSH D030342.

gnomAD v4.1: 4 of 1,614,128 alleles (0.00025%); highest among the groups gnomAD compares: Non-Finnish European, 0.00025%; no homozygotes.

Submissions (2):

Labcorp Genetics (formerly Invitae), Labcorp
Classification: Uncertain significance for Dyskeratosis congenita, autosomal dominant 6. Last evaluated: 2025-07-02. Review status: criteria provided, single submitter. Criteria: Invitae Variant Classification Sherloc (09022015). Collection method: clinical testing. Allele origin: germline.
Comment: This sequence change replaces alanine, which is neutral and non-polar, with threonine, which is neutral and polar, at codon 499 of the ACD protein (p.Ala499Thr). This variant is not present in population databases (gnomAD no frequency). This variant has not been reported in the literature in individuals affected with ACD-related conditions. ClinVar contains an entry for this variant (Variation ID: 1773880). Invitae Evidence Modeling of protein sequence and biophysical properties (such as structural, functional, and spatial information, amino acid conservation, physicochemical variation, residue mobility, and thermodynamic stability) indicates that this missense variant is not expected to disrupt ACD protein function with a negative predictive value of 80%. In summary, the available evidence is currently insufficient to determine the role of this variant in disease. Therefore, it has been classified as a Variant of Uncertain Significance.

Ambry Genetics
Classification: Uncertain significance for Inborn genetic diseases. Last evaluated: 2021-12-15. Review status: criteria provided, single submitter. Criteria: Ambry Variant Classification Scheme 2023. Collection method: clinical testing. Allele origin: germline.
Comment: The p.A499T variant (also known as c.1495G>A), located in coding exon 11 of the ACD gene, results from a G to A substitution at nucleotide position 1495. The alanine at codon 499 is replaced by threonine, an amino acid with similar properties. This amino acid position is conserved. In addition, this alteration is predicted to be tolerated by in silico analysis. Since supporting evidence is limited at this time, the clinical significance of this alteration remains unclear.

NM_001082486.2(ACD):c.1237G>A (p.Ala413Thr)

Gene: ACD (ACD shelterin complex subunit and telomerase recruitment factor; minus strand). Cytogenetic location: 16q22.1.
Variant type: single nucleotide variant.
Coding change: c.1237G>A on transcript NM_001082486.2 (MANE Select); coding-DNA position 1237, G replaced by A.
Protein change: p.Ala413Thr; replaces alanine 413 with threonine.
Molecular consequence: missense variant.
Genome position (GRCh38, 1-based): chr16:67,657,823, C>T on the plus strand (G>A on the coding strand, the complement: ACD is on the minus strand). VCF-style: chr16-67657823-C-T. GRCh37 (hg19) VCF-style: chr16-67691726-C-T.
Other names: c.1150G>A, p.Ala384Thr (NM_001410884.1); c.1228G>A, p.Ala410Thr (NM_022914.3); short protein forms A413T, A410T, A384T.
Identifiers: ClinVar variation 1773880 (VCV001773880.3), dbSNP rs779041176, ClinGen allele CA396349979.
Genomic context (GRCh38, chr16:67,657,823, plus strand): 5'-TGACAGCTTGGACCCGAGCACAGAGGGACGTGCAGGGTGGCTCATACTCATACTGGAAGG[C>T]AGAACCATCACGATGCCTCTTTGGGGGTTCCTGAAAGGGGTATGGTGTCTGGGGAAGAGC-3'
Protein context (NP_001075955.2, residues 403-423): EPPKRHRDGS[Ala413Thr]FQYEYEPPCT